The following is an entry in ClinVar:

ClinVar aggregate classification (germline): Uncertain significance. Review status: criteria provided, multiple submitters, no conflicts (2 of 4 stars). 2 submissions from 2 submitters: Uncertain significance (2). Last evaluated 2025-12-31.

Conditions:
LRP5-related disorder. Also called: LRP5-related condition.

Allele frequency attached by ClinVar (database versions not stated): gnomAD 0.00001; TOPMed 0.00001; gnomAD exomes 0.00002 and 0.00004; ExAC 0.00003.
gnomAD v4.1: 54 of 1,609,536 alleles (0.0034%); highest among the groups gnomAD compares: Non-Finnish European, 0.0043%; no homozygotes.

Submissions (3):

PreventionGenetics, part of Exact Sciences
Classification: Uncertain significance for LRP5-related condition. Last evaluated: 2025-12-31. Review status: criteria provided, single submitter. Criteria: ACMG Guidelines, 2015. Collection method: clinical testing. Allele origin: germline.
Comment: The LRP5 c.3637+5G>A variant is predicted to interfere with splicing. This variant is predicted to alter splicing based on available splicing prediction programs (SpliceAI, Jaganathan et al. 2019. PubMed ID: 30661751). However, the use of computer prediction programs is not equivalent to functional evidence. To our knowledge, this variant has not been reported in the literature. This variant is reported in 0.0045% of alleles in individuals of European (Non-Finnish) descent in gnomAD. At this time, the clinical significance of this variant is uncertain due to the absence of conclusive functional and genetic evidence.

Labcorp Genetics (formerly Invitae), Labcorp
Classification: Uncertain significance. Last evaluated: 2024-11-23. Review status: criteria provided, single submitter. Criteria: Invitae Variant Classification Sherloc (09022015). Collection method: clinical testing. Allele origin: germline.
Comment: This sequence change falls in intron 16 of the LRP5 gene. It does not directly change the encoded amino acid sequence of the LRP5 protein. It affects a nucleotide within the consensus splice site. This variant is present in population databases (rs762288444, gnomAD 0.005%). This variant has not been reported in the literature in individuals affected with LRP5-related conditions. ClinVar contains an entry for this variant (Variation ID: 934254). Variants that disrupt the consensus splice site are a relatively common cause of aberrant splicing (PMID: 17576681, 9536098). Algorithms developed to predict the effect of sequence changes on RNA splicing suggest that this variant may disrupt the consensus splice site. In summary, the available evidence is currently insufficient to determine the role of this variant in disease. Therefore, it has been classified as a Variant of Uncertain Significance.

Dr. Peter K. Rogan Lab, Western University
No classification provided (evidence only). Condition: Gastric cancer. Review status: no classification provided. Collection method: in vitro. Allele origin: not applicable. Functional consequence: retained intron. Not counted in ClinVar's aggregate classification.

Literature cited by the submitters: PubMed 17576681 (cited by Labcorp Genetics (formerly Invitae), Labcorp); PubMed 9536098 (cited by Labcorp Genetics (formerly Invitae), Labcorp).

NM_002335.4(LRP5):c.3637+5G>A

Gene: LRP5 (LDL receptor related protein 5; plus strand). Cytogenetic location: 11q13.2.
Variant type: single nucleotide variant.
Coding change: c.3637+5G>A on transcript NM_002335.4 (MANE Select); 5 bases into the intron after coding-DNA position 3637, G replaced by A.
Molecular consequence: intron variant.
Genome position (GRCh38, 1-based): chr11:68,426,192, G>A. VCF-style: chr11-68426192-G-A. GRCh37 (hg19) VCF-style: chr11-68193660-G-A.
Other names: c.1894+5G>A (NM_001291902.2).
Identifiers: ClinVar variation 934254 (VCV000934254.9), dbSNP rs762288444, ClinGen allele CA6150045.